The following is an entry in ClinVar:

NM_006915.3(RP2):c.127A>G (p.Ser43Gly)

Gene: RP2 (RP2 activator of ARL3 GTPase; plus strand). Cytogenetic location: Xp11.3.
Variant type: single nucleotide variant.
Coding change: c.127A>G on transcript NM_006915.3 (MANE Select); coding-DNA position 127, A replaced by G.
Protein change: p.Ser43Gly; replaces serine 43 with glycine.
Molecular consequence: missense variant.
Genome position (GRCh38, 1-based): chrX:46,853,500, A>G. VCF-style: chrX-46853500-A-G. GRCh37 (hg19) VCF-style: chrX-46712935-A-G.
Other names: short protein forms S43G.
Identifiers: ClinVar variation 933285 (VCV000933285.8), dbSNP rs201111874, ClinGen allele CA10394184.

ClinVar aggregate classification (germline): Uncertain significance. Review status: criteria provided, multiple submitters, no conflicts (2 of 4 stars). 2 submissions from 2 submitters: Uncertain significance (2). Last evaluated 2023-10-01.

Conditions:
Retinal dystrophy. Also called: Inherited retinal dystrophy. Identifiers: Orphanet 71862, MedGen C0854723, MeSH D058499, MONDO:0019118, HP:0000556.

Allele frequency attached by ClinVar (database versions not stated): TOPMed below 0.00001; ExAC 0.00001; gnomAD exomes 0.00001; gnomAD 0.00002; 1000 Genomes Project 30x 0.00021; 1000 Genomes Project 0.00026.
gnomAD v4.1: 6 of 1,208,602 alleles (0.0005%); highest among the groups gnomAD compares: East Asian, 0.018%; no homozygotes.

Submissions (2):

Dept Of Ophthalmology, Nagoya University
Classification: Uncertain significance for Retinal dystrophy. Last evaluated: 2023-10-01. Review status: criteria provided, single submitter. Criteria: Submitter's publication. Collection method: research. Allele origin: germline. Affected: yes.

Labcorp Genetics (formerly Invitae), Labcorp
Classification: Uncertain significance. Last evaluated: 2022-02-05. Review status: criteria provided, single submitter. Criteria: Invitae Variant Classification Sherloc (09022015). Collection method: clinical testing. Allele origin: germline.
Comment: This sequence change replaces serine, which is neutral and polar, with glycine, which is neutral and non-polar, at codon 43 of the RP2 protein (p.Ser43Gly). This variant is present in population databases (rs201111874, gnomAD 0.008%). This variant has not been reported in the literature in individuals affected with RP2-related conditions. ClinVar contains an entry for this variant (Variation ID: 933285). Algorithms developed to predict the effect of missense changes on protein structure and function are either unavailable or do not agree on the potential impact of this missense change (SIFT: "Deleterious"; PolyPhen-2: "Benign"; Align-GVGD: "Class C0"). In summary, the available evidence is currently insufficient to determine the role of this variant in disease. Therefore, it has been classified as a Variant of Uncertain Significance.